The following is an entry in ClinVar:

ClinVar aggregate classification (germline): Likely benign. Review status: criteria provided, multiple submitters, no conflicts (2 of 4 stars). 3 submissions from 3 submitters: Likely benign (2). 1 of the submissions does not count toward it. Last evaluated 2024-11-06.

Conditions:
RNF216-related disorder. Also called: RNF216-related condition.

Allele frequency attached by ClinVar (database versions not stated): gnomAD exomes 0.00013 and 0.00035; ExAC 0.00046; 1000 Genomes Project 30x 0.00078; 1000 Genomes Project 0.00080; gnomAD 0.00113 and 0.00122; TOPMed 0.00137; ESP Exome Variant Server 0.00200.
gnomAD v4.1: 363 of 1,614,080 alleles (0.022%); highest among the groups gnomAD compares: African/African-American, 0.42%; no homozygotes.

Submissions (3):

Blueprint Genetics
Classification: Likely benign. Last evaluated: 2024-11-06. Review status: criteria provided, single submitter. Criteria: ACMG Guidelines, 2015. Collection method: clinical testing. Allele origin: germline.

Labcorp Genetics (formerly Invitae), Labcorp
Classification: Likely benign. Last evaluated: 2023-09-27. Review status: criteria provided, single submitter. Criteria: Invitae Variant Classification Sherloc (09022015). Collection method: clinical testing. Allele origin: germline.

PreventionGenetics, part of Exact Sciences
Classification: Likely benign for RNF216-related condition. Last evaluated: 2022-04-28. Review status: no assertion criteria provided. Collection method: clinical testing. Allele origin: germline. Not counted in ClinVar's aggregate classification.
Comment: This variant is classified as likely benign based on ACMG/AMP sequence variant interpretation guidelines (Richards et al. 2015 PMID: 25741868, with internal and published modifications).

NM_207111.4(RNF216):c.2614G>A (p.Val872Met)

Gene: RNF216 (ring finger protein 216; minus strand). Cytogenetic location: 7p22.1.
Variant type: single nucleotide variant.
Coding change: c.2614G>A on transcript NM_207111.4 (MANE Select); coding-DNA position 2614, G replaced by A.
Protein change: p.Val872Met; replaces valine 872 with methionine.
Molecular consequence: missense variant.
Genome position (GRCh38, 1-based): chr7:5,623,018, C>T on the plus strand (G>A on the coding strand, the complement: RNF216 is on the minus strand). VCF-style: chr7-5623018-C-T. GRCh37 (hg19) VCF-style: chr7-5662649-C-T.
Other names: c.2443G>A, p.Val815Met (NM_207116.3); short protein forms V872M, V815M.
Identifiers: ClinVar variation 792804 (VCV000792804.12), dbSNP rs148352106, ClinGen allele CA4147736.